The following is an entry in ClinVar:

ClinVar aggregate classification (germline): Likely benign (0 of 4 stars; one submission).

Conditions:
CABIN1-related disorder. Also called: CABIN1-related condition.

Allele frequency attached by ClinVar (database versions not stated): TOPMed 0.00017; gnomAD 0.00028; ExAC 0.00036; ESP Exome Variant Server 0.00038.
gnomAD v4.1: 607 of 1,613,614 alleles (0.038%); highest among the groups gnomAD compares: Non-Finnish European, 0.05%; no homozygotes.

Submission:

PreventionGenetics, part of Exact Sciences
Classification: Likely benign for CABIN1-related condition. Last evaluated: 2019-09-19. Review status: no assertion criteria provided. Collection method: clinical testing. Allele origin: germline.
Comment: This variant is classified as likely benign based on ACMG/AMP sequence variant interpretation guidelines (Richards et al. 2015 PMID: 25741868, with internal and published modifications).

NM_012295.4(CABIN1):c.4542C>T (p.Ala1514=)

Gene: CABIN1 (calcineurin binding protein 1; plus strand). Cytogenetic location: 22q11.23.
Variant type: single nucleotide variant.
Coding change: c.4542C>T on transcript NM_012295.4 (MANE Select); coding-DNA position 4542, C replaced by T.
Protein change: p.Ala1514=; no amino-acid change (alanine 1514 retained).
Molecular consequence: synonymous variant.
Genome position (GRCh38, 1-based): chr22:24,119,608, C>T. VCF-style: chr22-24119608-C-T. GRCh37 (hg19) VCF-style: chr22-24515575-C-T.
Other names: c.4542C>T, p.Ala1514= (NM_001199281.1); c.4392C>T, p.Ala1464= (NM_001201429.2).
Identifiers: ClinVar variation 3040234 (VCV003040234.2), dbSNP rs151057274, ClinGen allele CA10149493.